The following is an entry in ClinVar:

NM_139076.3(ABRAXAS1):c.489G>C (p.Arg163Ser)

Gene: ABRAXAS1 (abraxas 1, BRCA1 A complex subunit; minus strand). Cytogenetic location: 4q21.23.
Variant type: single nucleotide variant.
Coding change: c.489G>C on transcript NM_139076.3 (MANE Select); coding-DNA position 489, G replaced by C.
Protein change: p.Arg163Ser; replaces arginine 163 with serine.
Molecular consequence: missense variant.
Genome position (GRCh38, 1-based): chr4:83,469,139, C>G on the plus strand (G>C on the coding strand, the complement: ABRAXAS1 is on the minus strand). VCF-style: chr4-83469139-C-G. GRCh37 (hg19) VCF-style: chr4-84390292-C-G.
Other names: c.162G>C, p.Arg54Ser (NM_001345962.2); short protein forms R163S, R54S.
Identifiers: ClinVar variation 1800115 (VCV001800115.3), dbSNP rs535462791, ClinGen allele CA357259620.

ClinVar aggregate classification (germline): Uncertain significance (1 of 4 stars; one submission).

Submission:

Ambry Genetics
Classification: Uncertain significance. Last evaluated: 2025-04-28. Review status: criteria provided, single submitter. Criteria: Ambry Variant Classification Scheme 2023. Collection method: clinical testing. Allele origin: germline.
Comment: The p.R163S variant (also known as c.489G>C), located in coding exon 6 of the FAM175A gene, results from a G to C substitution at nucleotide position 489. The arginine at codon 163 is replaced by serine, an amino acid with dissimilar properties. This amino acid position is conserved. In addition, this alteration is predicted to be tolerated by in silico analysis. Since supporting evidence is limited at this time, the clinical significance of this alteration remains unclear.